The following is an entry in ClinVar:

ClinVar aggregate classification (germline): Uncertain significance (1 of 4 stars; one submission).

Submission:

Women's Health and Genetics/Laboratory Corporation of America, LabCorp
Classification: Uncertain significance. Last evaluated: 2025-11-11. Review status: criteria provided, single submitter. Criteria: LabCorp Variant Classification Summary - May 2015. Collection method: clinical testing. Allele origin: germline.
Comment: Variant summary: SLC5A5 c.357G>C (p.Glu119Asp) results in a conservative amino acid change in the encoded protein sequence. Algorithms developed to predict the effect of missense changes on protein structure and function are either unavailable or do not agree on the potential impact of this missense change. Several computational tools predict a significant impact on normal splicing: Three predict the variant abolishes the canonical intron 1, 5' splicing donor site. However, these predictions have yet to be confirmed by functional studies. The variant was absent in 245034 control chromosomes. The available data on variant occurrences in the general population are insufficient to allow any conclusion about variant significance. To our knowledge, no occurrence of c.357G>C in individuals affected with SLC5A5-related conditions and no experimental evidence demonstrating its impact on protein function have been reported. No submitters have cited clinical-significance assessments for this variant to ClinVar. Based on the evidence outlined above, the variant was classified as uncertain significance.

NM_000453.3(SLC5A5):c.357G>C (p.Glu119Asp)

Gene: SLC5A5 (solute carrier family 5 member 5; plus strand). Cytogenetic location: 19p13.11.
Variant type: single nucleotide variant.
Coding change: c.357G>C on transcript NM_000453.3 (MANE Select); coding-DNA position 357, G replaced by C.
Protein change: p.Glu119Asp; replaces glutamic acid 119 with aspartic acid.
Molecular consequence: missense variant.
Genome position (GRCh38, 1-based): chr19:17,872,676, G>C. VCF-style: chr19-17872676-G-C. GRCh37 (hg19) VCF-style: chr19-17983485-G-C.
Other names: c.90G>C, p.Glu30Asp (NM_001440707.1); short protein forms E119D, E30D.
Identifiers: ClinVar variation 4536858 (VCV004536858.1).